The following is an entry in ClinVar:

ClinVar aggregate classification (germline): Pathogenic. Review status: criteria provided, single submitter (1 of 4 stars). 2 submissions from 2 submitters: Pathogenic (1). 1 of the submissions does not count toward it. Last evaluated 2026-03-30.

Conditions:
Spastic paraplegia. Identifiers: MedGen C0037772, HP:0001258.
Inborn genetic diseases. Identifiers: MedGen C0950123, MeSH D030342.

gnomAD v4.1: 1 of 1,612,050 alleles (0.000062%); highest among the groups gnomAD compares: South Asian, 0.0011%; no homozygotes.

Submissions (2):

Ambry Genetics
Classification: Pathogenic for Inborn genetic diseases. Last evaluated: 2026-03-30. Review status: criteria provided, single submitter. Criteria: Ambry Variant Classification Scheme 2023. Collection method: clinical testing. Allele origin: germline.
Comment: The c.229G>T (p.E77*) alteration, located in exon 4 (coding exon 3) of the AP4S1 gene, consists of a G to T substitution at nucleotide position 229. This changes the amino acid from a glutamic acid (E) to a stop codon at amino acid position 77. This variant is expected to result in loss of function by premature protein truncation or nonsense-mediated mRNA decay. The alteration is not observed in population databases: Based on data from the Genome Aggregation Database (gnomAD), the AP4S1 c.229G>T alteration was not observed among approximately 138,632 individuals tested. Based on data from the NHLBI Exome Sequencing Project (ESP), the AP4S1 c.229G>T alteration was not observed among 6,501 individuals tested. Allele frequency data for this nucleotide position are not currently available from the 1000 Genomes Project. Based on the available evidence, this alteration is classified as pathogenic.

Yale Center for Mendelian Genomics, Yale University
Classification: Likely pathogenic for Spastic paraplegia. Last evaluated: 2020-10-01. Review status: no assertion criteria provided. Collection method: literature only. Allele origin: germline. Affected: yes. Observed: 1 compound heterozygote. Study: Yale Center for Mendelian Genomics. Not counted in ClinVar's aggregate classification.

Literature cited by the submitters: PubMed 32979048 (cited by Yale Center for Mendelian Genomics, Yale University).

NM_001128126.3(AP4S1):c.229G>T (p.Glu77Ter)

Gene: AP4S1 (adaptor related protein complex 4 subunit sigma 1; plus strand). Cytogenetic location: 14q12.
Variant type: single nucleotide variant.
Coding change: c.229G>T on transcript NM_001128126.3 (MANE Select); coding-DNA position 229, G replaced by T.
Protein change: p.Glu77Ter; replaces glutamic acid 77 with a stop codon.
Molecular consequence: nonsense.
Genome position (GRCh38, 1-based): chr14:31,072,908, G>T. VCF-style: chr14-31072908-G-T. GRCh37 (hg19) VCF-style: chr14-31542114-G-T.
Other names: c.229G>T, p.Glu77Ter (NM_001254726.2, NM_001254727.2, NM_001254728.2 and 2 more transcripts); short protein forms E77*.
Identifiers: ClinVar variation 521910 (VCV000521910.6), dbSNP rs568176223, ClinGen allele CA389360325.